The following is an entry in ClinVar:

ClinVar aggregate classification (germline): Uncertain significance (1 of 4 stars; one submission).

Conditions:
Hypertrophic cardiomyopathy 26. Also called: Cardiomyopathy, familial hypertrophic, 26. Identifiers: Orphanet 75249, MedGen C4310749, MONDO:0014883, OMIM 617047.
Distal myopathy with posterior leg and anterior hand involvement. Also called: WILLIAMS DISTAL MYOPATHY. Identifiers: Orphanet 63273, MedGen C3279722, MONDO:0013550, OMIM 614065.
Myofibrillar myopathy 5. Also called: Filaminopathy (type); FILAMINOPATHY, AUTOSOMAL DOMINANT. Identifiers: Orphanet 171445, MedGen C1836050, MONDO:0012289, OMIM 609524.

gnomAD v4.1: 31 of 1,613,234 alleles (0.0019%); highest among the groups gnomAD compares: East Asian, 0.056%; no homozygotes.

Submission:

Labcorp Genetics (formerly Invitae), Labcorp
Classification: Uncertain significance for Distal myopathy with posterior leg and anterior hand involvement; Myofibrillar myopathy 5; Hypertrophic cardiomyopathy 26. Last evaluated: 2025-04-02. Review status: criteria provided, single submitter. Criteria: Invitae Variant Classification Sherloc (09022015). Collection method: clinical testing. Allele origin: germline.
Comment: This sequence change replaces proline, which is neutral and non-polar, with serine, which is neutral and polar, at codon 1990 of the FLNC protein (p.Pro1990Ser). This variant is present in population databases (no rsID available, gnomAD 0.006%). This variant has not been reported in the literature in individuals affected with FLNC-related conditions. ClinVar contains an entry for this variant (Variation ID: 3761146). Invitae Evidence Modeling of protein sequence and biophysical properties (such as structural, functional, and spatial information, amino acid conservation, physicochemical variation, residue mobility, and thermodynamic stability) has been performed for this missense variant. However, the output from this modeling did not meet the statistical confidence thresholds required to predict the impact of this variant on FLNC protein function. In summary, the available evidence is currently insufficient to determine the role of this variant in disease. Therefore, it has been classified as a Variant of Uncertain Significance.

NM_001458.5(FLNC):c.5968C>T (p.Pro1990Ser)

Genes: FLNC-AS1 (FLNC antisense RNA 1; minus strand), FLNC (filamin C; plus strand). Cytogenetic location: 7q32.1.
Variant type: single nucleotide variant.
Coding change: c.5968C>T on transcript NM_001458.5 (MANE Select); coding-DNA position 5968, C replaced by T.
Protein change: p.Pro1990Ser; replaces proline 1990 with serine.
Molecular consequence: missense variant.
Genome position (GRCh38, 1-based): chr7:128,852,716, C>T. VCF-style: chr7-128852716-C-T. GRCh37 (hg19) VCF-style: chr7-128492770-C-T.
Other names: c.5869C>T, p.Pro1957Ser (NM_001127487.2); short protein forms P1957S, P1990S.
Identifiers: ClinVar variation 3761146 (VCV003761146.2).